The following is an entry in ClinVar:

ClinVar aggregate classification (germline): Likely pathogenic (1 of 4 stars; one submission).

Allele frequency attached by ClinVar (database versions not stated): TOPMed 0.00001.

Submission:

GeneDx
Classification: Likely pathogenic. Last evaluated: 2017-11-01. Review status: criteria provided, single submitter. Criteria: GeneDx Variant Classification (06012015). Collection method: clinical testing. Allele origin: germline. Affected: yes.
Comment: The c.548-2A>G variant in the NDUFA10 gene has not been reported previously as a pathogenic variant nor as a benign variant, to our knowledge. This splice site variant destroys the canonical splice acceptor site in intron 4. It is predicted to cause abnormal gene splicing, either leading to an abnormal message that is subject to nonsense-mediated mRNA decay, or to an abnormal protein product if the message is used for protein translation. The c.548-2A>G variant is not observed in large population cohorts (Lek et al., 2016). We interpret c.548-2A>G as a likely pathogenic variant.

NM_004544.4(NDUFA10):c.548-2A>G

Gene: NDUFA10 (NADH:ubiquinone oxidoreductase subunit A10; minus strand). Cytogenetic location: 2q37.3.
Variant type: single nucleotide variant.
Coding change: c.548-2A>G on transcript NM_004544.4 (MANE Select); the canonical splice acceptor site of the intron before coding-DNA position 548, A replaced by G.
Molecular consequence: splice acceptor variant.
Genome position (GRCh38, 1-based): chr2:240,014,862, T>C on the plus strand (A>G on the coding strand, the complement: NDUFA10 is on the minus strand). VCF-style: chr2-240014862-T-C. GRCh37 (hg19) VCF-style: chr2-240954279-T-C.
Other names: c.548-2A>G (NM_001322020.2, NM_001410987.1, NM_001322019.2).
Identifiers: ClinVar variation 452968 (VCV000452968.2), dbSNP rs1553573286, ClinGen allele CA351272991.
Genomic context (GRCh38, chr2:240,014,862, plus strand): 5'-GTGGGGGGGCAGGTAATCGCAGATGGTGACGCTCTTCACCTCGTTGTAGTGGTCCACACC[T>C]GGCACATAGGAGAAAGGGGCGCTGTCACCTACCAGTCCCCACACGGGTTTCCAAAACACA-3'